The following is an entry in ClinVar:

NM_002361.4(MAG):c.1317G>A (p.Glu439=)

Gene: MAG (myelin associated glycoprotein; plus strand). Cytogenetic location: 19q13.12.
Variant type: single nucleotide variant.
Coding change: c.1317G>A on transcript NM_002361.4 (MANE Select); coding-DNA position 1317, G replaced by A.
Protein change: p.Glu439=; no amino-acid change (glutamic acid 439 retained).
Molecular consequence: synonymous variant.
Genome position (GRCh38, 1-based): chr19:35,309,959, G>A. VCF-style: chr19-35309959-G-A. GRCh37 (hg19) VCF-style: chr19-35800862-G-A.
Other names: c.1242G>A, p.Glu414= (NM_001199216.2); c.1317G>A, p.Glu439= (NM_080600.3); c.1317G>A (NM_002361.3).
Identifiers: ClinVar variation 2080509 (VCV002080509.5), dbSNP rs773318133, ClinGen allele CA9376242.

ClinVar aggregate classification (germline): Likely benign. Review status: criteria provided, multiple submitters, no conflicts (2 of 4 stars). 2 submissions from 2 submitters: Likely benign (2). Last evaluated 2026-06-03.

Conditions:
Hereditary spastic paraplegia 75. Also called: Spastic paraplegia 75, autosomal recessive. Identifiers: Orphanet 459056, MedGen C4225250, MONDO:0014729, OMIM 616680.
MAG-related disorder. Also called: MAG-related condition.

Allele frequency attached by ClinVar (database versions not stated): gnomAD 0.00001; gnomAD exomes 0.00001; TOPMed 0.00001; ExAC 0.00008.
gnomAD v4.1: 19 of 1,613,934 alleles (0.0012%); highest among the groups gnomAD compares: Admixed American, 0.022%; no homozygotes.

Submissions (2):

PreventionGenetics, part of Exact Sciences
Classification: Likely benign for MAG-related condition. Last evaluated: 2026-06-03. Review status: criteria provided, single submitter. Criteria: ACMG Guidelines, 2015. Collection method: clinical testing. Allele origin: germline.
Comment: This variant is classified as likely benign based on ACMG/AMP sequence variant interpretation guidelines (Richards et al. 2015 PMID: 25741868, with internal and published modifications).

Labcorp Genetics (formerly Invitae), Labcorp
Classification: Likely benign for Hereditary spastic paraplegia 75. Last evaluated: 2022-09-20. Review status: criteria provided, single submitter. Criteria: Invitae Variant Classification Sherloc (09022015). Collection method: clinical testing. Allele origin: germline.